The following is an entry in ClinVar:

NM_004174.4(SLC9A3):c.114G>T (p.Glu38Asp)

Gene: SLC9A3 (solute carrier family 9 member A3). Cytogenetic location: 5p15.33.
Variant type: single nucleotide variant.
Coding change: c.114G>T on transcript NM_004174.4 (MANE Select); coding-DNA position 114, G replaced by T.
Protein change: p.Glu38Asp; replaces glutamic acid 38 with aspartic acid.
Molecular consequence: missense variant.
Genome position (GRCh38, 1-based): chr5:524,209, C>A on the plus strand (G>T on the coding strand, the complement: SLC9A3 is on the minus strand). VCF-style: chr5-524209-C-A. GRCh37 (hg19) VCF-style: chr5-524324-C-A.
Other names: c.114G>T, p.Glu38Asp (NM_001284351.3); short protein forms E38D.
Identifiers: ClinVar variation 1404717 (VCV001404717.6), dbSNP rs1215714557, ClinGen allele CA359018385.

ClinVar aggregate classification (germline): Uncertain significance (1 of 4 stars; one submission).

Submission:

Labcorp Genetics (formerly Invitae), Labcorp
Classification: Uncertain significance. Last evaluated: 2021-01-20. Review status: criteria provided, single submitter. Criteria: Invitae Variant Classification Sherloc (09022015). Collection method: clinical testing. Allele origin: germline.
Comment: This variant is not present in population databases (ExAC no frequency). This sequence change replaces glutamic acid with aspartic acid at codon 38 of the SLC9A3 protein (p.Glu38Asp). The glutamic acid residue is weakly conserved and there is a small physicochemical difference between glutamic acid and aspartic acid. This variant has not been reported in the literature in individuals with SLC9A3-related conditions. Algorithms developed to predict the effect of missense changes on protein structure and function are either unavailable or do not agree on the potential impact of this missense change (SIFT: "Not Available"; PolyPhen-2: "Benign"; Align-GVGD: "Not Available"). In summary, the available evidence is currently insufficient to determine the role of this variant in disease. Therefore, it has been classified as a Variant of Uncertain Significance.